The following is an entry in ClinVar:

ClinVar aggregate classification (germline): Benign (1 of 4 stars; one submission).

Allele frequency attached by ClinVar (database versions not stated): TOPMed 0.63749; 1000 Genomes Project 30x 0.58448; gnomAD 0.63502 and 0.62542; 1000 Genomes Project 0.57348.
gnomAD v4.1: 95,051 of 151,956 alleles (63%); highest among the groups gnomAD compares: African/African-American, 74%; 30,466 homozygotes.

Submissions (19):

GeneDx
Classification: Benign. Last evaluated: 2018-06-14. Review status: criteria provided, single submitter. Criteria: GeneDx Variant Classification (06012015). Collection method: clinical testing. Allele origin: germline. Affected: yes.
Comment: This variant is considered likely benign or benign based on one or more of the following criteria: it is a conservative change, it occurs at a poorly conserved position in the protein, it is predicted to be benign by multiple in silico algorithms, and/or has population frequency not consistent with disease.

Dr. Peter K. Rogan Lab, Western University
No classification provided (evidence only). Condition: Lung cancer. Review status: no classification provided. Collection method: in vitro. Allele origin: not applicable. Functional consequence: retained intron. Not counted in ClinVar's aggregate classification.

Dr. Peter K. Rogan Lab, Western University
No classification provided (evidence only). Condition: Uterine corpus endometrial carcinoma. Review status: no classification provided. Collection method: in vitro. Allele origin: not applicable. Functional consequence: retained intron. Not counted in ClinVar's aggregate classification.

Dr. Peter K. Rogan Lab, Western University
No classification provided (evidence only). Condition: Uterine corpus endometrial carcinoma. Review status: no classification provided. Collection method: in vitro. Allele origin: not applicable. Functional consequence: retained intron. Not counted in ClinVar's aggregate classification.

Dr. Peter K. Rogan Lab, Western University
No classification provided (evidence only). Condition: Uterine corpus endometrial carcinoma. Review status: no classification provided. Collection method: in vitro. Allele origin: not applicable. Functional consequence: retained intron. Not counted in ClinVar's aggregate classification.

Dr. Peter K. Rogan Lab, Western University
No classification provided (evidence only). Condition: Sarcoma. Review status: no classification provided. Collection method: in vitro. Allele origin: not applicable. Functional consequence: retained intron. Not counted in ClinVar's aggregate classification.

Dr. Peter K. Rogan Lab, Western University
No classification provided (evidence only). Condition: Sarcoma. Review status: no classification provided. Collection method: in vitro. Allele origin: not applicable. Functional consequence: retained intron. Not counted in ClinVar's aggregate classification.

Dr. Peter K. Rogan Lab, Western University
No classification provided (evidence only). Condition: Sarcoma. Review status: no classification provided. Collection method: in vitro. Allele origin: not applicable. Functional consequence: retained intron. Not counted in ClinVar's aggregate classification.

Dr. Peter K. Rogan Lab, Western University
No classification provided (evidence only). Condition: Cholangiocarcinoma. Review status: no classification provided. Collection method: in vitro. Allele origin: not applicable. Functional consequence: retained intron. Not counted in ClinVar's aggregate classification.

Dr. Peter K. Rogan Lab, Western University
No classification provided (evidence only). Condition: Uterine carcinosarcoma. Review status: no classification provided. Collection method: in vitro. Allele origin: not applicable. Functional consequence: retained intron. Not counted in ClinVar's aggregate classification.

Dr. Peter K. Rogan Lab, Western University
No classification provided (evidence only). Condition: Uterine carcinosarcoma. Review status: no classification provided. Collection method: in vitro. Allele origin: not applicable. Functional consequence: retained intron. Not counted in ClinVar's aggregate classification.

Dr. Peter K. Rogan Lab, Western University
No classification provided (evidence only). Condition: Uterine carcinosarcoma. Review status: no classification provided. Collection method: in vitro. Allele origin: not applicable. Functional consequence: retained intron. Not counted in ClinVar's aggregate classification.

Dr. Peter K. Rogan Lab, Western University
No classification provided (evidence only). Condition: Uterine carcinosarcoma. Review status: no classification provided. Collection method: in vitro. Allele origin: not applicable. Functional consequence: retained intron. Not counted in ClinVar's aggregate classification.

Dr. Peter K. Rogan Lab, Western University
No classification provided (evidence only). Condition: Malignant tumor of esophagus. Review status: no classification provided. Collection method: in vitro. Allele origin: not applicable. Functional consequence: retained intron. Not counted in ClinVar's aggregate classification.

Dr. Peter K. Rogan Lab, Western University
No classification provided (evidence only). Condition: Malignant tumor of esophagus. Review status: no classification provided. Collection method: in vitro. Allele origin: not applicable. Functional consequence: retained intron. Not counted in ClinVar's aggregate classification.

Dr. Peter K. Rogan Lab, Western University
No classification provided (evidence only). Condition: Malignant tumor of esophagus. Review status: no classification provided. Collection method: in vitro. Allele origin: not applicable. Functional consequence: retained intron. Not counted in ClinVar's aggregate classification.

Dr. Peter K. Rogan Lab, Western University
No classification provided (evidence only). Condition: Malignant tumor of esophagus. Review status: no classification provided. Collection method: in vitro. Allele origin: not applicable. Functional consequence: retained intron. Not counted in ClinVar's aggregate classification.

Dr. Peter K. Rogan Lab, Western University
No classification provided (evidence only). Condition: Malignant tumor of esophagus. Review status: no classification provided. Collection method: in vitro. Allele origin: not applicable. Functional consequence: retained intron. Not counted in ClinVar's aggregate classification.

Dr. Peter K. Rogan Lab, Western University
No classification provided (evidence only). Condition: Malignant tumor of esophagus. Review status: no classification provided. Collection method: in vitro. Allele origin: not applicable. Functional consequence: retained intron. Not counted in ClinVar's aggregate classification.

NM_002291.3(LAMB1):c.676+281G>A

Gene: LAMB1 (laminin subunit beta 1; minus strand). Cytogenetic location: 7q31.1.
Variant type: single nucleotide variant.
Coding change: c.676+281G>A on transcript NM_002291.3 (MANE Select); 281 bases into the intron after coding-DNA position 676, G replaced by A.
Molecular consequence: intron variant.
Genome position (GRCh38, 1-based): chr7:107,985,741, C>T on the plus strand (G>A on the coding strand, the complement: LAMB1 is on the minus strand). VCF-style: chr7-107985741-C-T. GRCh37 (hg19) VCF-style: chr7-107626186-C-T.
Other names: NC_000007.13:g.107626186C>T.
Identifiers: ClinVar variation 681243 (VCV000681243.2), dbSNP rs7777891, ClinGen allele CA12545431.